The following is an entry in ClinVar:

ClinVar aggregate classification (germline): Uncertain significance (1 of 4 stars; one submission).

Conditions:
Duchenne muscular dystrophy (DMD). Also called: MUSCULAR DYSTROPHY, PSEUDOHYPERTROPHIC PROGRESSIVE, DUCHENNE TYPE; Duchenne Muscular Dystrophy (DMD). Identifiers: Orphanet 98896, MedGen C0013264, MONDO:0010679, OMIM 310200.

Submission:

Labcorp Genetics (formerly Invitae), Labcorp
Classification: Uncertain significance for Duchenne muscular dystrophy. Last evaluated: 2024-05-25. Review status: criteria provided, single submitter. Criteria: Invitae Variant Classification Sherloc (09022015). Collection method: clinical testing. Allele origin: germline.
Comment: This sequence change replaces threonine, which is neutral and polar, with proline, which is neutral and non-polar, at codon 107 of the DMD protein (p.Thr107Pro). This variant is not present in population databases (gnomAD no frequency). This variant has not been reported in the literature in individuals affected with DMD-related conditions. Advanced modeling of protein sequence and biophysical properties (such as structural, functional, and spatial information, amino acid conservation, physicochemical variation, residue mobility, and thermodynamic stability) has been performed at Invitae for this missense variant, however the output from this modeling did not meet the statistical confidence thresholds required to predict the impact of this variant on DMD protein function. In summary, the available evidence is currently insufficient to determine the role of this variant in disease. Therefore, it has been classified as a Variant of Uncertain Significance.

NM_004006.3(DMD):c.319A>C (p.Thr107Pro)

Gene: DMD (dystrophin; minus strand). Cytogenetic location: Xp21.1.
Variant type: single nucleotide variant.
Coding change: c.319A>C on transcript NM_004006.3 (MANE Select); coding-DNA position 319, A replaced by C.
Protein change: p.Thr107Pro; replaces threonine 107 with proline.
Molecular consequence: missense variant. On other transcripts: 5 prime UTR variant (1).
Genome position (GRCh38, 1-based): chrX:32,823,333, T>G on the plus strand (A>C on the coding strand, the complement: DMD is on the minus strand). VCF-style: chrX-32823333-T-G. GRCh37 (hg19) VCF-style: chrX-32841450-T-G.
Other names: c.295A>C, p.Thr99Pro (NM_000109.4); c.307A>C, p.Thr103Pro (NM_004009.3); c.-51A>C (NM_004010.3); short protein forms T103P, T107P, T99P.
Identifiers: ClinVar variation 3634872 (VCV003634872.2).
Genomic context (GRCh38, chrX:32,823,333, plus strand): 5'-AACCATTCATCAGGATTCTTACCTGCCAGTGGAGGATTATATTCCAAATCAAACCAAGAG[T>G]CAGTTTATGATTTCCATCTACGATGTCAGTACTTCCAATATTCACTAAATCAACCTGTTA-3'
Protein context (NP_003997.2, residues 97-117): TDIVDGNHKL[Thr107Pro]LGLIWNIILH